The following is an entry in ClinVar:

ClinVar aggregate classification (germline): Benign/Likely benign. Review status: criteria provided, multiple submitters, no conflicts (2 of 4 stars). 3 submissions from 3 submitters: Benign (1); Likely benign (2). Last evaluated 2026-04-17.

Conditions:
Hereditary cancer-predisposing syndrome. Also called: Hereditary neoplastic syndrome; Neoplastic Syndromes, Hereditary; Hereditary Cancer Syndrome; Tumor predisposition. Identifiers: Orphanet 140162, MedGen C0027672, MeSH D009386, MONDO:0015356.
DICER1-related tumor predisposition. Also called: DICER1-related pleuropulmonary blastoma cancer predisposition syndrome; DICER1 syndrome. Identifiers: Orphanet 284343, MedGen C3839822, MONDO:0100216.

Allele frequency attached by ClinVar (database versions not stated): gnomAD exomes below 0.00001; ExAC 0.00001; gnomAD 0.00002; TOPMed 0.00005.
gnomAD v4.1: 6 of 1,613,958 alleles (0.00037%); highest among the groups gnomAD compares: African/African-American, 0.004%; no homozygotes.

Submissions (3):

Myriad Genetics, Inc.
Classification: Benign for DICER1-related tumor predisposition. Last evaluated: 2026-04-17. Review status: criteria provided, single submitter. Criteria: Myriad Autosomal Dominant, Autosomal Recessive and X-Linked Classification Criteria (2023). Collection method: clinical testing. Allele origin: unknown.
Comment: This variant is considered benign. This variant is a silent/synonymous amino acid change and it is not expected to impact splicing.

Labcorp Genetics (formerly Invitae), Labcorp
Classification: Likely benign for DICER1-related tumor predisposition. Last evaluated: 2026-02-03. Review status: criteria provided, single submitter. Criteria: Invitae Variant Classification Sherloc (09022015). Collection method: clinical testing. Allele origin: germline.

Ambry Genetics
Classification: Likely benign for Hereditary cancer-predisposing syndrome. Last evaluated: 2017-06-05. Review status: criteria provided, single submitter. Criteria: Ambry Variant Classification Scheme 2023. Collection method: clinical testing. Allele origin: germline.

NM_177438.3(DICER1):c.3324C>T (p.Ile1108=)

Gene: DICER1 (dicer 1, ribonuclease III; minus strand). Cytogenetic location: 14q32.13.
Variant type: single nucleotide variant.
Coding change: c.3324C>T on transcript NM_177438.3 (MANE Select); coding-DNA position 3324, C replaced by T.
Protein change: p.Ile1108=; no amino-acid change (isoleucine 1108 retained).
Molecular consequence: synonymous variant.
Genome position (GRCh38, 1-based): chr14:95,104,072, G>A on the plus strand (C>T on the coding strand, the complement: DICER1 is on the minus strand). VCF-style: chr14-95104072-G-A. GRCh37 (hg19) VCF-style: chr14-95570409-G-A.
Other names: c.3324C>T, p.Ile1108= (NM_001195573.1, NM_001271282.3, NM_001291628.2 and 1 more transcripts).
Identifiers: ClinVar variation 477135 (VCV000477135.18), dbSNP rs765205680, ClinGen allele CA7331055.